The following is an entry in ClinVar:

NM_001844.5(COL2A1):c.3436_3471del36 (p.Asp1150_Gly1161del)

Gene: COL2A1 (collagen type II alpha 1 chain; minus strand). Cytogenetic location: 12q13.11.
Variant type: Deletion.
Coding change: c.3436_3471del36 on transcript NM_001844.5 (MANE Select); coding-DNA positions 3436 to 3471, 36 bases deleted.
Protein change: p.Asp1150_Gly1161del.
Molecular consequence: inframe deletion.
Genome position (GRCh38, 1-based): chr12:47,976,521-47,976,556, 36 bases deleted; deleting any 36 consecutive bases within chr12:47,976,521-47,976,567 gives the same sequence; the c. name uses the placement nearest the transcript's 3' end. GRCh37 (hg19): chr12:48,370,315-48,370,350.
Other names: c.3229_3264del36, p.Asp1081_Gly1092del (NM_033150.3); c.3447_3482del (NM_001844.5).
Identifiers: ClinVar variation 4880825 (VCV004880825.2).

ClinVar aggregate classification (germline): Likely pathogenic (1 of 4 stars; one submission).

Submission:

Dasa
Classification: Likely pathogenic. Last evaluated: 2025-05-14. Review status: criteria provided, single submitter. Criteria: DASA Assertion Criteria. Collection method: clinical testing. Allele origin: germline.
Comment: NM_001844.5(COL2A1):c.3447_3482del (p.Asp1150_Gly1161del) is an in-frame deletion predicted to remove amino acids from aspartic acid at protein position 1150 through glycine at protein position 1161 without shifting the reading frame. This variant is absent from population databases. Based on the currently available evidence, this variant is classified as likely pathogenic.